The following is an entry in ClinVar:

ClinVar aggregate classification (germline): Uncertain significance (1 of 4 stars; one submission).

Conditions:
Hereditary cancer-predisposing syndrome. Also called: Tumor predisposition; Neoplastic Syndromes, Hereditary; Hereditary neoplastic syndrome; Hereditary Cancer Syndrome. Identifiers: Orphanet 140162, MedGen C0027672, MeSH D009386, MONDO:0015356.

Submission:

Labcorp Genetics (formerly Invitae), Labcorp
Classification: Uncertain significance for Hereditary cancer-predisposing syndrome. Last evaluated: 2020-09-24. Review status: criteria provided, single submitter. Criteria: Invitae Variant Classification Sherloc (09022015). Collection method: clinical testing. Allele origin: germline.
Comment: In summary, the available evidence is currently insufficient to determine the role of this variant in disease. Therefore, it has been classified as a Variant of Uncertain Significance. Algorithms developed to predict the effect of missense changes on protein structure and function are either unavailable or do not agree on the potential impact of this missense change (SIFT: "Tolerated"; PolyPhen-2: "Possibly Damaging"; Align-GVGD: "Class C0"). This variant has not been reported in the literature in individuals with RAD50-related conditions. This variant is not present in population databases (ExAC no frequency). This sequence change replaces arginine with glycine at codon 656 of the RAD50 protein (p.Arg656Gly). The arginine residue is moderately conserved and there is a moderate physicochemical difference between arginine and glycine.

NM_005732.4(RAD50):c.1966C>G (p.Arg656Gly)

Gene: RAD50 (RAD50 double strand break repair protein; plus strand). Cytogenetic location: 5q31.1.
Variant type: single nucleotide variant.
Coding change: c.1966C>G on transcript NM_005732.4 (MANE Select); coding-DNA position 1966, C replaced by G.
Protein change: p.Arg656Gly; replaces arginine 656 with glycine.
Molecular consequence: missense variant.
Genome position (GRCh38, 1-based): chr5:132,595,041, C>G. VCF-style: chr5-132595041-C-G. GRCh37 (hg19) VCF-style: chr5-131930733-C-G.
Other names: short protein forms R656G.
Identifiers: ClinVar variation 1019195 (VCV001019195.9), dbSNP rs749466673, ClinGen allele CA360948656.